The following is an entry in ClinVar:

NM_024734.4(CLMN):c.735A>G (p.Glu245=)

Gene: CLMN (calmin; minus strand). Cytogenetic location: 14q32.13.
Variant type: single nucleotide variant.
Coding change: c.735A>G on transcript NM_024734.4 (MANE Select); coding-DNA position 735, A replaced by G.
Protein change: p.Glu245=; no amino-acid change (glutamic acid 245 retained).
Molecular consequence: synonymous variant.
Genome position (GRCh38, 1-based): chr14:95,210,753, T>C on the plus strand (A>G on the coding strand, the complement: CLMN is on the minus strand). VCF-style: chr14-95210753-T-C. GRCh37 (hg19) VCF-style: chr14-95677090-T-C.
Identifiers: ClinVar variation 3357556 (VCV003357556.1).

ClinVar aggregate classification (germline): Likely benign (0 of 4 stars; one submission).

Conditions:
CLMN-related disorder. Also called: CLMN-related condition.

gnomAD v4.1: 3 of 1,609,536 alleles (0.00019%); highest among the groups gnomAD compares: Middle Eastern, 0.05%; no homozygotes.

Submission:

PreventionGenetics, part of Exact Sciences
Classification: Likely benign for CLMN-related condition. Last evaluated: 2019-08-21. Review status: no assertion criteria provided. Collection method: clinical testing. Allele origin: germline.
Comment: This variant is classified as likely benign based on ACMG/AMP sequence variant interpretation guidelines (Richards et al. 2015 PMID: 25741868, with internal and published modifications).